The following is an entry in ClinVar:

ClinVar aggregate classification (germline): Likely benign (1 of 4 stars; one submission).

Allele frequency attached by ClinVar (database versions not stated): 1000 Genomes Project 0.00020; 1000 Genomes Project 30x 0.00031; gnomAD 0.00082 and 0.00083; TOPMed 0.00094.
gnomAD v4.1: 126 of 152,346 alleles (0.083%); highest among the groups gnomAD compares: Middle Eastern, 1.7%; no homozygotes.

Submission:

CeGaT Center for Human Genetics Tuebingen
Classification: Likely benign. Last evaluated: 2023-05-01. Review status: criteria provided, single submitter. Criteria: CeGaT Center For Human Genetics Tuebingen Variant Classification Criteria Version 2. Collection method: clinical testing. Allele origin: germline. Affected: yes. Observed: 11 variant alleles.
Comment: RET: BS1

NM_020975.6(RET):c.2137-396G>A

Gene: RET (ret proto-oncogene; plus strand). Cytogenetic location: 10q11.21.
Variant type: single nucleotide variant.
Coding change: c.2137-396G>A on transcript NM_020975.6 (MANE Select); 396 bases into the intron before coding-DNA position 2137, G replaced by A.
Molecular consequence: intron variant.
Genome position (GRCh38, 1-based): chr10:43,116,188, G>A. VCF-style: chr10-43116188-G-A. GRCh37 (hg19) VCF-style: chr10-43611636-G-A.
Other names: c.2137-396G>A (NM_020630.7, NM_001406743.1, NM_001406744.1 and 2 more transcripts); c.2002-396G>A (NM_001406765.1, NM_001406763.1); c.1741-396G>A (NM_001406772.1, NM_001406769.1); c.1699-396G>A (NM_001406773.1, NM_001406771.1); c.1240-396G>A (NM_001406782.1, NM_001406780.1, NM_001406779.1 and 1 more transcripts); c.1105-396G>A (NM_001406787.1); c.1120-396G>A (NM_001406785.1); c.2008-396G>A (NM_001406764.1, NM_001406762.1, NM_001406761.1); and 10 more.
Identifiers: ClinVar variation 1675417 (VCV001675417.35), dbSNP rs568899039, ClinGen allele CA206263531.